The following is an entry in ClinVar:

NM_001370.2(DNAH6):c.11561A>G (p.Asn3854Ser)

Gene: DNAH6 (dynein axonemal heavy chain 6; plus strand). Cytogenetic location: 2p11.2.
Variant type: single nucleotide variant.
Coding change: c.11561A>G on transcript NM_001370.2 (MANE Select); coding-DNA position 11561, A replaced by G.
Protein change: p.Asn3854Ser; replaces asparagine 3854 with serine.
Molecular consequence: missense variant.
Genome position (GRCh38, 1-based): chr2:84,805,744, A>G. VCF-style: chr2-84805744-A-G. GRCh37 (hg19) VCF-style: chr2-85032868-A-G.
Other names: short protein forms N3854S.
Identifiers: ClinVar variation 717074 (VCV000717074.27), dbSNP rs192646174, ClinGen allele CA1737796.
Genomic context (GRCh38, chr2:84,805,744, plus strand): 5'-TAATCAACACCATACTTGAGGTTCAGCCAAGGTCATCTACTGGTGGAGAGGGAAAAAGCA[A>G]TGACGAAATTGTTCAAGAACTTGTTGCTTCTGTCCAGACCAGAGTTCCAGGTAATAAATA-3'
Protein context (NP_001361.1, residues 3844-3864): RSSTGGEGKS[Asn3854Ser]DEIVQELVAS

ClinVar aggregate classification (germline): Likely benign. Review status: criteria provided, multiple submitters, no conflicts (2 of 4 stars). 4 submissions from 4 submitters: Likely benign (3). 1 of the submissions does not count toward it. Last evaluated 2024-01-01.

Conditions:
DNAH6-related disorder. Also called: DNAH6-related condition.

Allele frequency attached by ClinVar (database versions not stated): 1000 Genomes Project 0.00040; 1000 Genomes Project 30x 0.00062; ESP Exome Variant Server 0.00153; gnomAD 0.00160 and 0.00161; gnomAD exomes 0.00170 and 0.00193; ExAC 0.00181; TOPMed 0.00196.
gnomAD v4.1: 2,970 of 1,551,710 alleles (0.19%); highest among the groups gnomAD compares: Middle Eastern, 0.58%; 10 homozygotes.

Submissions (4):

CeGaT Center for Human Genetics Tuebingen
Classification: Likely benign. Last evaluated: 2024-01-01. Review status: criteria provided, single submitter. Criteria: CeGaT Center For Human Genetics Tuebingen Variant Classification Criteria Version 2. Collection method: clinical testing. Allele origin: germline. Affected: yes. Observed: 1 variant allele.
Comment: DNAH6: BS2

Labcorp Genetics (formerly Invitae), Labcorp
Classification: Likely benign. Last evaluated: 2018-03-27. Review status: criteria provided, single submitter. Criteria: Invitae Variant Classification Sherloc (09022015). Collection method: clinical testing. Allele origin: germline.

Breakthrough Genomics
Classification: Likely benign. Review status: criteria provided, single submitter. Criteria: ACMG Guidelines, 2015. Collection method: not provided. Allele origin: germline. Inheritance: Unknown mechanism. Affected: yes.

PreventionGenetics, part of Exact Sciences
Classification: Likely benign for DNAH6-related condition. Last evaluated: 2022-12-21. Review status: no assertion criteria provided. Collection method: clinical testing. Allele origin: germline. Not counted in ClinVar's aggregate classification.
Comment: This variant is classified as likely benign based on ACMG/AMP sequence variant interpretation guidelines (Richards et al. 2015 PMID: 25741868, with internal and published modifications).